The following is an entry in ClinVar:

ClinVar aggregate classification (germline): Uncertain significance (1 of 4 stars; one submission).

Conditions:
Cardiovascular phenotype. Identifiers: MedGen CN230736.

Submission:

Ambry Genetics
Classification: Uncertain significance for Cardiovascular phenotype. Last evaluated: 2025-07-12. Review status: criteria provided, single submitter. Criteria: Ambry Variant Classification Scheme 2023. Collection method: clinical testing. Allele origin: germline.
Comment: The p.P2028R variant (also known as c.6083C>G), located in coding exon 2 of the ZNF469 gene, results from a C to G substitution at nucleotide position 6083. The proline at codon 2028 is replaced by arginine, an amino acid with dissimilar properties. This amino acid position is conserved. In addition, this alteration is predicted to be tolerated by in silico analysis. Based on the available evidence, the clinical significance of this variant remains unclear.

NM_001127464.1:c.6083C>G

Gene: ZNF469 (zinc finger protein 469; plus strand).
Variant type: single nucleotide variant.
Identifiers: ClinVar variation 4209165 (VCV004209165.1).